The following is an entry in ClinVar:

ClinVar aggregate classification (germline): Uncertain significance. Review status: criteria provided, multiple submitters, no conflicts (2 of 4 stars). 3 submissions from 3 submitters: Uncertain significance (3). Last evaluated 2025-09-24.

Conditions:
Inborn genetic diseases. Identifiers: MedGen C0950123, MeSH D030342.

Allele frequency attached by ClinVar (database versions not stated): gnomAD exomes 0.00003 and 0.00010; ExAC 0.00015; gnomAD 0.00052 and 0.00055; TOPMed 0.00066; ESP Exome Variant Server 0.00092.
gnomAD v4.1: 129 of 1,613,928 alleles (0.008%); highest among the groups gnomAD compares: African/African-American, 0.15%; no homozygotes.

Submissions (3):

Women's Health and Genetics/Laboratory Corporation of America, LabCorp
Classification: Uncertain significance. Last evaluated: 2025-09-24. Review status: criteria provided, single submitter. Criteria: LabCorp Variant Classification Summary - May 2015. Collection method: clinical testing. Allele origin: germline.
Comment: Variant summary: KIF14 c.4126C>G (p.Gln1376Glu) results in a conservative amino acid change in the encoded protein sequence. Algorithms developed to predict the effect of missense changes on protein structure and function all suggest that this variant is likely to be tolerated. The variant allele was found at a frequency of 9.9e-05 in 251446 control chromosomes. This frequency is not significantly higher than estimated for disease-causing variants in KIF14, allowing no conclusion about variant significance. To our knowledge, no occurrence of c.4126C>G in individuals affected with KIF14-related conditions and no experimental evidence demonstrating its impact on protein function have been reported. ClinVar contains an entry for this variant (Variation ID: 1438298). Based on the evidence outlined above, the variant was classified as uncertain significance.

Ambry Genetics
Classification: Uncertain significance for Inborn genetic diseases. Last evaluated: 2022-12-19. Review status: criteria provided, single submitter. Criteria: Ambry Variant Classification Scheme 2023. Collection method: clinical testing. Allele origin: germline.

Labcorp Genetics (formerly Invitae), Labcorp
Classification: Uncertain significance. Last evaluated: 2022-05-30. Review status: criteria provided, single submitter. Criteria: Invitae Variant Classification Sherloc (09022015). Collection method: clinical testing. Allele origin: germline.
Comment: In summary, the available evidence is currently insufficient to determine the role of this variant in disease. Therefore, it has been classified as a Variant of Uncertain Significance. Algorithms developed to predict the effect of missense changes on protein structure and function output the following: SIFT: "Tolerated"; PolyPhen-2: "Benign"; Align-GVGD: "Class C0". The glutamic acid amino acid residue is found in multiple mammalian species, which suggests that this missense change does not adversely affect protein function. ClinVar contains an entry for this variant (Variation ID: 1438298). This variant has not been reported in the literature in individuals affected with KIF14-related conditions. This variant is present in population databases (rs151196320, gnomAD 0.1%). This sequence change replaces glutamine, which is neutral and polar, with glutamic acid, which is acidic and polar, at codon 1376 of the KIF14 protein (p.Gln1376Glu).

NM_014875.3(KIF14):c.4126C>G (p.Gln1376Glu)

Gene: KIF14 (kinesin family member 14; minus strand). Cytogenetic location: 1q32.1.
Variant type: single nucleotide variant.
Coding change: c.4126C>G on transcript NM_014875.3 (MANE Select); coding-DNA position 4126, C replaced by G.
Protein change: p.Gln1376Glu; replaces glutamine 1376 with glutamic acid.
Molecular consequence: missense variant.
Genome position (GRCh38, 1-based): chr1:200,560,826, G>C on the plus strand (C>G on the coding strand, the complement: KIF14 is on the minus strand). VCF-style: chr1-200560826-G-C. GRCh37 (hg19) VCF-style: chr1-200529954-G-C.
Other names: c.2653C>G, p.Gln885Glu (NM_001305792.1); c.4126C>G (NM_014875.2); short protein forms Q1376E, Q885E.
Identifiers: ClinVar variation 1438298 (VCV001438298.7), dbSNP rs151196320, ClinGen allele CA1317080.